The following is an entry in ClinVar:

ClinVar aggregate classification (germline): Conflicting classifications of pathogenicity. Review status: criteria provided, conflicting classifications (1 of 4 stars). 4 submissions from 4 submitters: Uncertain significance (2); Benign (1); Likely benign (1). Last evaluated 2026-01-19.

Conditions:
Inborn genetic diseases. Identifiers: MedGen C0950123, MeSH D030342.
Developmental and epileptic encephalopathy, 25 (DEE25). Also called: Developmental and epileptic encephalopathy 25, with amelogenesis imperfecta; Epileptic encephalopathy, early infantile, 25, with amelogenesis imperfecta; Epileptic encephalopathy, early infantile, 25. Identifiers: Orphanet 442835, MedGen C4014621, MONDO:0014392, OMIM 615905.

Allele frequency attached by ClinVar (database versions not stated): gnomAD 0.00001 and 0.00002; gnomAD exomes 0.00011 and 0.00025; TOPMed 0.00014; ExAC 0.00025.
gnomAD v4.1: 67 of 1,614,050 alleles (0.0042%); highest among the groups gnomAD compares: Admixed American, 0.11%; 1 homozygote.

Submissions (4):

Labcorp Genetics (formerly Invitae), Labcorp
Classification: Benign for Developmental and epileptic encephalopathy, 25. Last evaluated: 2026-01-19. Review status: criteria provided, single submitter. Criteria: Invitae Variant Classification Sherloc (09022015). Collection method: clinical testing. Allele origin: germline.

GeneDx
Classification: Uncertain significance. Last evaluated: 2025-08-28. Review status: criteria provided, single submitter. Criteria: GeneDx Variant Classification Process June 2021. Collection method: clinical testing. Allele origin: germline. Affected: yes.
Comment: Published functional studies suggest that this variant does not disrupt transport to the plasma membrane; however, further studies are needed (PMID: 40577459); In silico analysis supports that this missense variant has a deleterious effect on protein structure/function; This variant is associated with the following publications: (PMID: 40577459)

Genome-Nilou Lab
Classification: Likely benign for Developmental and epileptic encephalopathy, 25. Last evaluated: 2021-07-15. Review status: criteria provided, single submitter. Criteria: ACMG Guidelines, 2015. Collection method: clinical testing. Allele origin: germline. Affected: no.

Ambry Genetics
Classification: Uncertain significance for Inborn genetic diseases. Last evaluated: 2016-10-05. Review status: criteria provided, single submitter. Criteria: Ambry Variant Classification Scheme 2023. Collection method: clinical testing. Allele origin: germline.
Comment: The p.W346L variant (also known as c.1037G>T), located in coding exon 7 of the SLC13A5 gene, results from a G to T substitution at nucleotide position 1037. The tryptophan at codon 346 is replaced by leucine, an amino acid with similar properties. This amino acid position is highly conserved in available vertebrate species. In addition, this alteration is predicted to be tolerated by in silico analysis. Since supporting evidence is limited at this time, the clinical significance of this variant remains unclear.

NM_177550.5(SLC13A5):c.1037G>T (p.Trp346Leu)

Gene: SLC13A5 (solute carrier family 13 member 5; minus strand). Cytogenetic location: 17p13.1.
Variant type: single nucleotide variant.
Coding change: c.1037G>T on transcript NM_177550.5 (MANE Select); coding-DNA position 1037, G replaced by T.
Protein change: p.Trp346Leu; replaces tryptophan 346 with leucine.
Molecular consequence: missense variant.
Genome position (GRCh38, 1-based): chr17:6,695,744, C>A on the plus strand (G>T on the coding strand, the complement: SLC13A5 is on the minus strand). VCF-style: chr17-6695744-C-A. GRCh37 (hg19) VCF-style: chr17-6599063-C-A.
Other names: c.1037G>T, p.Trp346Leu (NM_001143838.3); c.986G>T, p.Trp329Leu (NM_001284509.2); c.908G>T, p.Trp303Leu (NM_001284510.2); short protein forms W346L, W303L, W329L.
Identifiers: ClinVar variation 475188 (VCV000475188.22), dbSNP rs746999375, ClinGen allele CA8331551.
Genomic context (GRCh38, chr17:6,695,744, plus strand): 5'-CCTGGCCCTAAGCCAGCGATTTCTATTGAATCCAAGACTTACTTTGTCTCACCCTCCACC[C>A]AGGCAACAGTCAGCCAGCCGGGCATGAAGCCGGGGTCTCGGGAGAACCACAGGATGACCA-3'
Protein context (NP_808218.1, residues 336-356): GFMPGWLTVA[Trp346Leu]VEGETKYVSD